The following is an entry in ClinVar:

ClinVar aggregate classification (germline): Uncertain significance (1 of 4 stars; one submission).

Submission:

Labcorp Genetics (formerly Invitae), Labcorp
Classification: Uncertain significance. Last evaluated: 2022-08-21. Review status: criteria provided, single submitter. Criteria: Invitae Variant Classification Sherloc (09022015). Collection method: clinical testing. Allele origin: germline.
Comment: This sequence change replaces tyrosine, which is neutral and polar, with histidine, which is basic and polar, at codon 1335 of the LTBP4 protein (p.Tyr1335His). This variant is not present in population databases (gnomAD no frequency). This variant has not been reported in the literature in individuals affected with LTBP4-related conditions. Experimental studies and prediction algorithms are not available or were not evaluated, and the functional significance of this variant is currently unknown. In summary, the available evidence is currently insufficient to determine the role of this variant in disease. Therefore, it has been classified as a Variant of Uncertain Significance.

NM_001042545.2(LTBP4):c.3913T>C (p.Tyr1305His)

Gene: LTBP4 (latent transforming growth factor beta binding protein 4; plus strand). Cytogenetic location: 19q13.2.
Variant type: single nucleotide variant.
Coding change: c.3913T>C on transcript NM_001042545.2 (MANE Select); coding-DNA position 3913, T replaced by C.
Protein change: p.Tyr1305His; replaces tyrosine 1305 with histidine.
Molecular consequence: missense variant.
Genome position (GRCh38, 1-based): chr19:40,625,937, T>C. VCF-style: chr19-40625937-T-C. GRCh37 (hg19) VCF-style: chr19-41131842-T-C.
Other names: c.4114T>C, p.Tyr1372His (NM_001042544.1); c.4003T>C, p.Tyr1335His (NM_003573.2); short protein forms Y1372H, Y1335H, Y1305H.
Identifiers: ClinVar variation 2025509 (VCV002025509.4), dbSNP rs2515393761, ClinGen allele CA405909732.